The following is an entry in ClinVar:

ClinVar aggregate classification (germline): Uncertain significance. Review status: criteria provided, multiple submitters, no conflicts (2 of 4 stars). 2 submissions from 2 submitters: Uncertain significance (2). Last evaluated 2022-04-19.

Allele frequency attached by ClinVar (database versions not stated): gnomAD exomes below 0.00001 and 0.00001; gnomAD 0.00001; ExAC 0.00002.

Submissions (2):

Labcorp Genetics (formerly Invitae), Labcorp
Classification: Uncertain significance. Last evaluated: 2022-04-19. Review status: criteria provided, single submitter. Criteria: Invitae Variant Classification Sherloc (09022015). Collection method: clinical testing. Allele origin: germline.
Comment: This sequence change replaces serine, which is neutral and polar, with leucine, which is neutral and non-polar, at codon 30 of the TYMP protein (p.Ser30Leu). The frequency data for this variant in the population databases is considered unreliable, as metrics indicate poor data quality at this position in the gnomAD database. This variant has not been reported in the literature in individuals affected with TYMP-related conditions. ClinVar contains an entry for this variant (Variation ID: 1163693). Advanced modeling of protein sequence and biophysical properties (such as structural, functional, and spatial information, amino acid conservation, physicochemical variation, residue mobility, and thermodynamic stability) performed at Invitae indicates that this missense variant is not expected to disrupt TYMP protein function. In summary, the available evidence is currently insufficient to determine the role of this variant in disease. Therefore, it has been classified as a Variant of Uncertain Significance.

Mayo Clinic Laboratories, Mayo Clinic
Classification: Uncertain significance. Last evaluated: 2020-02-18. Review status: criteria provided, single submitter. Criteria: ACMG Guidelines, 2015. Collection method: clinical testing. Allele origin: germline. Observed: 1 variant allele.

NM_001953.5(TYMP):c.89C>T (p.Ser30Leu)

Gene: TYMP (thymidine phosphorylase; minus strand). Cytogenetic location: 22q13.33.
Variant type: single nucleotide variant.
Coding change: c.89C>T on transcript NM_001953.5 (MANE Select); coding-DNA position 89, C replaced by T.
Protein change: p.Ser30Leu; replaces serine 30 with leucine.
Molecular consequence: missense variant.
Genome position (GRCh38, 1-based): chr22:50,529,621, G>A on the plus strand (C>T on the coding strand, the complement: TYMP is on the minus strand). VCF-style: chr22-50529621-G-A. GRCh37 (hg19) VCF-style: chr22-50968050-G-A.
Other names: c.89C>T, p.Ser30Leu (NM_001113755.3, NM_001113756.3, NM_001257988.1 and 1 more transcripts); short protein forms S30L.
Identifiers: ClinVar variation 1163693 (VCV001163693.6), dbSNP rs777925061, ClinGen allele CA10321883.